The following is an entry in ClinVar:

ClinVar aggregate classification (germline): Uncertain significance (1 of 4 stars; one submission).

Conditions:
Hereditary cancer-predisposing syndrome. Also called: Neoplastic Syndromes, Hereditary; Tumor predisposition; Hereditary Cancer Syndrome; Hereditary neoplastic syndrome. Identifiers: Orphanet 140162, MedGen C0027672, MeSH D009386, MONDO:0015356.

Submission:

Ambry Genetics
Classification: Uncertain significance for Hereditary cancer-predisposing syndrome. Last evaluated: 2021-10-22. Review status: criteria provided, single submitter. Criteria: Ambry Variant Classification Scheme 2023. Collection method: clinical testing. Allele origin: germline.
Comment: The p.N270K variant (also known as c.810C>A), located in coding exon 7 of the APC gene, results from a C to A substitution at nucleotide position 810. The asparagine at codon 270 is replaced by lysine, an amino acid with similar properties. This amino acid position is not well conserved in available vertebrate species. In addition, in silico predictors for this gene do not accurately predict pathogenicity. Since supporting evidence is limited at this time, the clinical significance of this alteration remains unclear.

NM_000038.6(APC):c.810C>A (p.Asn270Lys)

Gene: APC (APC regulator of Wnt signaling pathway; plus strand). Cytogenetic location: 5q22.2.
Variant type: single nucleotide variant.
Coding change: c.810C>A on transcript NM_000038.6 (MANE Select); coding-DNA position 810, C replaced by A.
Protein change: p.Asn270Lys; replaces asparagine 270 with lysine.
Molecular consequence: missense variant. On other transcripts: 5 prime UTR variant (1).
Genome position (GRCh38, 1-based): chr5:112,801,359, C>A. VCF-style: chr5-112801359-C-A. GRCh37 (hg19) VCF-style: chr5-112137056-C-A.
Other names: c.726C>A, p.Asn242Lys (NM_001407469.1, NM_001354899.2, NM_001407452.1 and 1 more transcripts); c.-226C>A (NM_001407470.1, NM_001407471.1, NM_001407472.1 and 1 more transcripts); c.810C>A, p.Asn270Lys (NM_001127510.3, NM_001354895.2, NM_001354896.2 and 12 more transcripts); c.756C>A, p.Asn252Lys (NM_001127511.3); c.840C>A, p.Asn280Lys (NM_001354897.2, NM_001354902.2, NM_001407446.1); c.735C>A, p.Asn245Lys (NM_001354898.2, NM_001354904.2, NM_001407451.1); c.633C>A, p.Asn211Lys (NM_001354900.2, NM_001354901.2, NM_001354905.2 and 1 more transcripts); short protein forms N245K, N270K, N211K, N280K, N242K, N252K.
Identifiers: ClinVar variation 1762027 (VCV001762027.2), dbSNP rs1313236573, ClinGen allele CA16023100.